The following is an entry in ClinVar:

NM_001145809.2(MYH14):c.2944G>A (p.Val982Met)

Gene: MYH14 (myosin heavy chain 14; plus strand). Cytogenetic location: 19q13.33.
Variant type: single nucleotide variant.
Coding change: c.2944G>A on transcript NM_001145809.2 (MANE Select); coding-DNA position 2944, G replaced by A.
Protein change: p.Val982Met; replaces valine 982 with methionine.
Molecular consequence: missense variant.
Genome position (GRCh38, 1-based): chr19:50,268,278, G>A. VCF-style: chr19-50268278-G-A. GRCh37 (hg19) VCF-style: chr19-50771535-G-A.
Other names: c.2845G>A, p.Val949Met (NM_001077186.2); c.2821G>A, p.Val941Met (NM_024729.4); short protein forms V982M, V941M, V949M.
Identifiers: ClinVar variation 4699575 (VCV004699575.1).

ClinVar aggregate classification (germline): Uncertain significance (1 of 4 stars; one submission).

gnomAD v4.1: 5 of 1,584,250 alleles (0.00032%); highest among the groups gnomAD compares: African/African-American, 0.004%; no homozygotes.

Submission:

Labcorp Genetics (formerly Invitae), Labcorp
Classification: Uncertain significance. Last evaluated: 2025-07-19. Review status: criteria provided, single submitter. Criteria: Invitae Variant Classification Sherloc (09022015). Collection method: clinical testing. Allele origin: germline.
Comment: This sequence change replaces valine, which is neutral and non-polar, with methionine, which is neutral and non-polar, at codon 941 of the MYH14 protein (p.Val941Met). The frequency data for this variant in the population databases is considered unreliable, as metrics indicate poor data quality at this position in the gnomAD database. This variant has not been reported in the literature in individuals affected with MYH14-related conditions. Invitae Evidence Modeling of protein sequence and biophysical properties (such as structural, functional, and spatial information, amino acid conservation, physicochemical variation, residue mobility, and thermodynamic stability) indicates that this missense variant is not expected to disrupt MYH14 protein function with a negative predictive value of 80%. In summary, the available evidence is currently insufficient to determine the role of this variant in disease. Therefore, it has been classified as a Variant of Uncertain Significance.